The following is an entry in ClinVar:

ClinVar aggregate classification (germline): Uncertain significance (1 of 4 stars; one submission).

Allele frequency attached by ClinVar (database versions not stated): gnomAD exomes below 0.00001.
gnomAD v4.1: 1 of 1,613,432 alleles (0.000062%); highest among the groups gnomAD compares: South Asian, 0.0011%; no homozygotes.

Submission:

Ambry Genetics
Classification: Uncertain significance. Last evaluated: 2023-02-10. Review status: criteria provided, single submitter. Criteria: Ambry Variant Classification Scheme 2023. Collection method: clinical testing. Allele origin: germline.
Comment: The p.Y230C variant (also known as c.689A>G), located in coding exon 1 of the MLH3 gene, results from an A to G substitution at nucleotide position 689. The tyrosine at codon 230 is replaced by cysteine, an amino acid with highly dissimilar properties. This amino acid position is conserved. In addition, the in silico prediction for this alteration is inconclusive. Since supporting evidence is limited at this time, the clinical significance of this alteration remains unclear.

NM_001040108.2(MLH3):c.689A>G (p.Tyr230Cys)

Gene: MLH3 (mutL homolog 3; minus strand). Cytogenetic location: 14q24.3.
Variant type: single nucleotide variant.
Coding change: c.689A>G on transcript NM_001040108.2 (MANE Select); coding-DNA position 689, A replaced by G.
Protein change: p.Tyr230Cys; replaces tyrosine 230 with cysteine.
Molecular consequence: missense variant.
Genome position (GRCh38, 1-based): chr14:75,048,967, T>C on the plus strand (A>G on the coding strand, the complement: MLH3 is on the minus strand). VCF-style: chr14-75048967-T-C. GRCh37 (hg19) VCF-style: chr14-75515670-T-C.
Other names: c.689A>G, p.Tyr230Cys (NM_014381.3); short protein forms Y230C.
Identifiers: ClinVar variation 2448662 (VCV002448662.2), dbSNP rs2503319991, ClinGen allele CA390449607.